The following is an entry in ClinVar:

ClinVar aggregate classification (germline): Likely benign (1 of 4 stars; one submission).

Allele frequency attached by ClinVar (database versions not stated): ESP Exome Variant Server 0.00025.

Submission:

CeGaT Center for Human Genetics Tuebingen
Classification: Likely benign. Last evaluated: 2025-11-01. Review status: criteria provided, single submitter. Criteria: CeGaT Center For Human Genetics Tuebingen Variant Classification Criteria Version 2. Collection method: clinical testing. Allele origin: germline. Affected: yes. Observed: 3 variant alleles.
Comment: AHNAK2: BP4, BS2

NM_138420.4(AHNAK2):c.5611C>A (p.Leu1871Ile)

Gene: AHNAK2 (AHNAK nucleoprotein 2; minus strand). Cytogenetic location: 14q32.33.
Variant type: single nucleotide variant.
Coding change: c.5611C>A on transcript NM_138420.4 (MANE Select); coding-DNA position 5611, C replaced by A.
Protein change: p.Leu1871Ile; replaces leucine 1871 with isoleucine.
Molecular consequence: missense variant.
Genome position (GRCh38, 1-based): chr14:104,949,840, G>T on the plus strand (C>A on the coding strand, the complement: AHNAK2 is on the minus strand). VCF-style: chr14-104949840-G-T. GRCh37 (hg19) VCF-style: chr14-105416177-G-T.
Other names: c.5311C>A, p.Leu1771Ile (NM_001350929.2); short protein forms L1771I, L1871I.
Identifiers: ClinVar variation 2644786 (VCV002644786.24), dbSNP rs374130169, ClinGen allele CA7381618.